The following is an entry in ClinVar:

ClinVar aggregate classification (germline): Uncertain significance. Review status: criteria provided, multiple submitters, no conflicts (2 of 4 stars). 2 submissions from 2 submitters: Uncertain significance (2). Last evaluated 2025-12-19.

Conditions:
BBS4-related disorder. Also called: BBS4-related condition.
Bardet-Biedl syndrome (BBS). Identifiers: Orphanet 110, MedGen C0752166, MONDO:0015229.

Allele frequency attached by ClinVar (database versions not stated): gnomAD 0.00001; TOPMed 0.00002.
gnomAD v4.1: 1 of 1,614,088 alleles (0.000062%); highest among the groups gnomAD compares: African/African-American, 0.0013%; no homozygotes.

Submissions (2):

PreventionGenetics, part of Exact Sciences
Classification: Uncertain significance for BBS4-related condition. Last evaluated: 2025-12-19. Review status: criteria provided, single submitter. Criteria: ACMG Guidelines, 2015. Collection method: clinical testing. Allele origin: germline.
Comment: The BBS4 c.852G>T variant is predicted to result in the amino acid substitution p.Lys284Asn. To our knowledge, this variant has not been reported in the literature or in a large population database (gnomAD), indicating this variant is rare. At this time, the clinical significance of this variant is uncertain due to the absence of conclusive functional and genetic evidence.

Labcorp Genetics (formerly Invitae), Labcorp
Classification: Uncertain significance for Bardet-Biedl syndrome. Last evaluated: 2022-06-27. Review status: criteria provided, single submitter. Criteria: Invitae Variant Classification Sherloc (09022015). Collection method: clinical testing. Allele origin: germline.
Comment: This sequence change replaces lysine, which is basic and polar, with asparagine, which is neutral and polar, at codon 284 of the BBS4 protein (p.Lys284Asn). This variant is not present in population databases (gnomAD no frequency). This variant has not been reported in the literature in individuals affected with BBS4-related conditions. Algorithms developed to predict the effect of missense changes on protein structure and function are either unavailable or do not agree on the potential impact of this missense change (SIFT: "Tolerated"; PolyPhen-2: "Probably Damaging"; Align-GVGD: "Class C0"). In summary, the available evidence is currently insufficient to determine the role of this variant in disease. Therefore, it has been classified as a Variant of Uncertain Significance.

NM_033028.5(BBS4):c.852G>T (p.Lys284Asn)

Gene: BBS4 (Bardet-Biedl syndrome 4; plus strand). Cytogenetic location: 15q24.1.
Variant type: single nucleotide variant.
Coding change: c.852G>T on transcript NM_033028.5 (MANE Select); coding-DNA position 852, G replaced by T.
Protein change: p.Lys284Asn; replaces lysine 284 with asparagine.
Molecular consequence: missense variant. On other transcripts: non-coding transcript variant (2).
Genome position (GRCh38, 1-based): chr15:72,731,445, G>T. VCF-style: chr15-72731445-G-T. GRCh37 (hg19) VCF-style: chr15-73023786-G-T.
Other names: c.336G>T, p.Lys112Asn (NM_001252678.2); c.783G>T, p.Lys261Asn (NM_001320665.2); c.852G>T (NM_033028.4); short protein forms K112N, K284N, K261N.
Identifiers: ClinVar variation 1471512 (VCV001471512.6), dbSNP rs12373005, ClinGen allele CA393078681.